The following is an entry in ClinVar:

ClinVar aggregate classification (germline): Benign (1 of 4 stars; one submission).

Conditions:
Osteogenesis imperfecta type 7 (OI7). Also called: OI type 7; OI type VII; OSTEOGENESIS IMPERFECTA, TYPE IIB; Osteogenesis imperfecta type 2B; OI type 2B; Osteogenesis imperfecta, perinatal lethal autosomal recessive. Identifiers: MedGen C1853162, MONDO:0012536, OMIM 610682.

Allele frequency attached by ClinVar (database versions not stated): gnomAD exomes 0.01515; gnomAD 0.04133 and 0.04291; TOPMed 0.04650; 1000 Genomes Project 0.04932; 1000 Genomes Project 30x 0.05418.
gnomAD v4.1: 6,239 of 152,302 alleles (4.1%); highest among the groups gnomAD compares: African/African-American, 13%; 371 homozygotes.

Submission:

Illumina Laboratory Services, Illumina
Classification: Benign for Osteogenesis imperfecta type 7. Last evaluated: 2018-01-12. Review status: criteria provided, single submitter. Criteria: ICSL Variant Classification Criteria 13 December 2019. Collection method: clinical testing. Allele origin: germline.
Comment: This variant was observed in the ICSL laboratory as part of a predisposition screen in an ostensibly healthy population. It had not been previously curated by ICSL or reported in the Human Gene Mutation Database (HGMD: prior to June 1st, 2018), and was therefore a candidate for classification through an automated scoring system. Utilizing variant allele frequency, disease prevalence and penetrance estimates, and inheritance mode, an automated score was calculated to assess if this variant is too frequent to cause the disease. Based on the score and internal cut-off values, a variant classified as benign is not then subjected to further curation. The score for this variant resulted in a classification of benign for this disease.

NM_006371.5(CRTAP):c.*1919A>G

Gene: CRTAP (cartilage associated protein; plus strand). Cytogenetic location: 3p22.3.
Variant type: single nucleotide variant.
Coding change: c.*1919A>G on transcript NM_006371.5 (MANE Select); 1919 bases downstream of the stop codon, A replaced by G.
Molecular consequence: 3 prime UTR variant.
Genome position (GRCh38, 1-based): chr3:33,144,367, A>G. VCF-style: chr3-33144367-A-G. GRCh37 (hg19) VCF-style: chr3-33185859-A-G.
Other names: c.*1919A>G (NM_001393363.1, NM_001393364.1, NM_001393365.1).
Identifiers: ClinVar variation 344844 (VCV000344844.5), dbSNP rs4429578, ClinGen allele CA10616170.
Genomic context (GRCh38, chr3:33,144,367, plus strand): 5'-GGAATTTGGTGCAAAGCAGGCTGTCTGTGGTTGGAATGGGAGGTTCTGGCTGCAAATCAA[A>G]GTGGAGAGTTCTCTCAGGTCAGGTCTGCAGCAGAGCTCGAGACAGGGATCTGAATGCACT-3'